The following is an entry in ClinVar:

ClinVar aggregate classification (germline): Conflicting classifications of pathogenicity. Review status: criteria provided, conflicting classifications (1 of 4 stars). 2 submissions from 2 submitters: Uncertain significance (1); Likely benign (1). Last evaluated 2024-06-17.

Allele frequency attached by ClinVar (database versions not stated): gnomAD exomes below 0.00001.

Submissions (2):

Women's Health and Genetics/Laboratory Corporation of America, LabCorp
Classification: Uncertain significance. Last evaluated: 2024-06-17. Review status: criteria provided, single submitter. Criteria: LabCorp Variant Classification Summary - May 2015. Collection method: clinical testing. Allele origin: germline.

GeneDx
Classification: Likely benign. Last evaluated: 2016-10-04. Review status: criteria provided, single submitter. Criteria: GeneDx Variant Classification (06012015). Collection method: clinical testing. Allele origin: germline. Affected: yes.
Comment: This variant is considered likely benign or benign based on one or more of the following criteria: it is a conservative change, it occurs at a poorly conserved position in the protein, it is predicted to be benign by multiple in silico algorithms, and/or has population frequency not consistent with disease.

NM_030662.4(MAP2K2):c.-9G>A

Genes: MAP2K2 (mitogen-activated protein kinase kinase 2; minus strand), LOC130063193 (ATAC-STARR-seq lymphoblastoid silent region 9881; plus strand). Cytogenetic location: 19p13.3.
Variant type: single nucleotide variant.
Coding change: c.-9G>A on transcript NM_030662.4 (MANE Select); 9 bases upstream of the start codon, G replaced by A.
Molecular consequence: 5 prime UTR variant.
Genome position (GRCh38, 1-based): chr19:4,123,884, C>T on the plus strand (G>A on the coding strand, the complement: MAP2K2 is on the minus strand). VCF-style: chr19-4123884-C-T. GRCh37 (hg19) VCF-style: chr19-4123881-C-T.
Identifiers: ClinVar variation 389641 (VCV000389641.2), dbSNP rs1057523493, ClinGen allele CA16608186.